The following is an entry in ClinVar:

NM_002941.4(ROBO1):c.3343A>C (p.Asn1115His)

Gene: ROBO1 (roundabout guidance receptor 1; minus strand). Cytogenetic location: 3p12.3.
Variant type: single nucleotide variant.
Coding change: c.3343A>C on transcript NM_002941.4 (MANE Select); coding-DNA position 3343, A replaced by C.
Protein change: p.Asn1115His; replaces asparagine 1115 with histidine.
Molecular consequence: missense variant.
Genome position (GRCh38, 1-based): chr3:78,635,803, T>G on the plus strand (A>C on the coding strand, the complement: ROBO1 is on the minus strand). VCF-style: chr3-78635803-T-G. GRCh37 (hg19) VCF-style: chr3-78684953-T-G.
Other names: c.3043A>C, p.Asn1015His (NM_001145845.2); c.3208A>C, p.Asn1070His (NM_133631.4); short protein forms N1115H, N1070H, N1015H.
Identifiers: ClinVar variation 1355644 (VCV001355644.8), dbSNP rs1471011534, ClinGen allele CA353651824.

ClinVar aggregate classification (germline): Uncertain significance (1 of 4 stars; one submission).

Allele frequency attached by ClinVar (database versions not stated): gnomAD 0.00001.
gnomAD v4.1: 3 of 1,613,702 alleles (0.00019%); highest among the groups gnomAD compares: Non-Finnish European, 0.00025%; no homozygotes.

Submission:

Labcorp Genetics (formerly Invitae), Labcorp
Classification: Uncertain significance. Last evaluated: 2024-02-12. Review status: criteria provided, single submitter. Criteria: Invitae Variant Classification Sherloc (09022015). Collection method: clinical testing. Allele origin: germline.
Comment: This sequence change replaces asparagine, which is neutral and polar, with histidine, which is basic and polar, at codon 1115 of the ROBO1 protein (p.Asn1115His). This variant is present in population databases (no rsID available, gnomAD 0.007%). This variant has not been reported in the literature in individuals affected with ROBO1-related conditions. ClinVar contains an entry for this variant (Variation ID: 1355644). Advanced modeling of protein sequence and biophysical properties (such as structural, functional, and spatial information, amino acid conservation, physicochemical variation, residue mobility, and thermodynamic stability) performed at Invitae indicates that this missense variant is not expected to disrupt ROBO1 protein function with a negative predictive value of 95%. In summary, the available evidence is currently insufficient to determine the role of this variant in disease. Therefore, it has been classified as a Variant of Uncertain Significance.